The following is an entry in ClinVar:

ClinVar aggregate classification (germline): Pathogenic (1 of 4 stars; one submission).

Submission:

Labcorp Genetics (formerly Invitae), Labcorp
Classification: Pathogenic. Last evaluated: 2022-05-25. Review status: criteria provided, single submitter. Criteria: Invitae Variant Classification Sherloc (09022015). Collection method: clinical testing. Allele origin: germline.
Comment: This variant has not been reported in the literature in individuals affected with RS1-related conditions. For these reasons, this variant has been classified as Pathogenic. This sequence change creates a premature translational stop signal (p.Ile125Aspfs*19) in the RS1 gene. It is expected to result in an absent or disrupted protein product. Loss-of-function variants in RS1 are known to be pathogenic (PMID: 9618178, 17172462). This variant is not present in population databases (gnomAD no frequency).

Literature cited by the submitters: PubMed 9618178; PubMed 17172462.

NM_000330.4(RS1):c.371dup (p.Ile125fs)

Genes: CDKL5 (cyclin dependent kinase like 5; plus strand), RS1 (retinoschisin 1; minus strand). Cytogenetic location: Xp22.13.
Variant type: Duplication.
Coding change: c.371dup on transcript NM_000330.4 (MANE Select); coding-DNA position 371, one base duplicated (A; older notation c.371dupA).
Protein change: p.Ile125fs; shifts the reading frame from isoleucine 125.
Molecular consequence: frameshift variant. On other transcripts: intron variant (2).
Genome position (GRCh38, 1-based): chrX:18,644,581, T duplicated on the plus strand (A on the coding strand, the reverse complement: RS1 is on the minus strand). VCF-style (leftmost placement, unchanged base first): chrX-18644580-C-CT. GRCh37 (hg19) VCF-style: chrX-18662700-C-CT.
Other names: c.2714-1426dup (NM_003159.3, NM_001037343.2); short protein forms I125fs.
Identifiers: ClinVar variation 1998705 (VCV001998705.4), dbSNP rs2518920013, ClinGen allele CA2580100410.